The following is an entry in ClinVar:

ClinVar aggregate classification (germline): Uncertain significance. Review status: criteria provided, multiple submitters, no conflicts (2 of 4 stars). 7 submissions from 6 submitters: Uncertain significance (7). Last evaluated 2025-12-01.

Conditions:
Cardiovascular phenotype. Identifiers: MedGen CN230736.
Myofibrillar myopathy 6. Identifiers: Orphanet 199340, MedGen C2751831, MONDO:0013061, OMIM 612954.
Dilated cardiomyopathy 1HH (CMD1HH). Identifiers: Orphanet 154, MedGen C3151293, MONDO:0013479, OMIM 613881.

Allele frequency attached by ClinVar (database versions not stated): gnomAD exomes below 0.00001 and 0.00002; ExAC 0.00001; gnomAD 0.00001; TOPMed 0.00002.
gnomAD v4.1: 35 of 1,614,008 alleles (0.0022%); highest among the groups gnomAD compares: Non-Finnish European, 0.0029%; no homozygotes.

Submissions (7):

Labcorp Genetics (formerly Invitae), Labcorp
Classification: Uncertain significance for Dilated cardiomyopathy 1HH; Myofibrillar myopathy 6. Last evaluated: 2025-12-01. Review status: criteria provided, single submitter. Criteria: Invitae Variant Classification Sherloc (09022015). Collection method: clinical testing. Allele origin: germline.
Comment: This sequence change replaces serine, which is neutral and polar, with leucine, which is neutral and non-polar, at codon 279 of the BAG3 protein (p.Ser279Leu). This variant is not present in population databases (gnomAD no frequency). This variant has not been reported in the literature in individuals affected with BAG3-related conditions. ClinVar contains an entry for this variant (Variation ID: 423527). Invitae Evidence Modeling of protein sequence and biophysical properties (such as structural, functional, and spatial information, amino acid conservation, physicochemical variation, residue mobility, and thermodynamic stability) indicates that this missense variant is expected to disrupt BAG3 protein function with a positive predictive value of 80%. In summary, the available evidence is currently insufficient to determine the role of this variant in disease. Therefore, it has been classified as a Variant of Uncertain Significance.

Ambry Genetics
Classification: Uncertain significance for Cardiovascular phenotype. Last evaluated: 2025-11-22. Review status: criteria provided, single submitter. Criteria: Ambry Variant Classification Scheme 2023. Collection method: clinical testing. Allele origin: germline.
Comment: The p.S279L variant (also known as c.836C>T), located in coding exon 3 of the BAG3 gene, results from a C to T substitution at nucleotide position 836. The serine at codon 279 is replaced by leucine, an amino acid with dissimilar properties. This amino acid position is highly conserved in available vertebrate species. In addition, the in silico prediction for this alteration is inconclusive. Since supporting evidence is limited at this time, the clinical significance of this alteration remains unclear.

GeneDx
Classification: Uncertain significance. Last evaluated: 2023-12-11. Review status: criteria provided, single submitter. Criteria: GeneDx Variant Classification Process June 2021. Collection method: clinical testing. Allele origin: germline. Affected: yes.
Comment: Not observed at significant frequency in large population cohorts (gnomAD); In silico analysis supports that this missense variant has a deleterious effect on protein structure/function; This variant is associated with the following publications: (PMID: 34293104)

Fulgent Genetics
Classification: Uncertain significance for Myofibrillar myopathy 6; Dilated cardiomyopathy 1HH. Last evaluated: 2021-10-17. Review status: criteria provided, single submitter. Criteria: ACMG Guidelines, 2015. Collection method: clinical testing. Allele origin: unknown.

Illumina Laboratory Services, Illumina
Classification: Uncertain significance for Dilated cardiomyopathy 1HH. Last evaluated: 2018-03-30. Review status: criteria provided, single submitter. Criteria: ICSL Variant Classification Criteria 13 December 2019. Collection method: clinical testing. Allele origin: germline.

Illumina Laboratory Services, Illumina
Classification: Uncertain significance for Myofibrillar myopathy 6. Last evaluated: 2018-03-30. Review status: criteria provided, single submitter. Criteria: ICSL Variant Classification Criteria 13 December 2019. Collection method: clinical testing. Allele origin: germline.

CeGaT Center for Human Genetics Tuebingen
Classification: Uncertain significance. Last evaluated: 2016-07-01. Review status: criteria provided, single submitter. Criteria: CeGaT Center For Human Genetics Tuebingen Variant Classification Criteria Version 2. Collection method: clinical testing. Allele origin: germline. Affected: yes. Observed: 1 variant allele.

NM_004281.4(BAG3):c.836C>T (p.Ser279Leu)

Gene: BAG3 (BAG cochaperone 3; plus strand). Cytogenetic location: 10q26.11.
Variant type: single nucleotide variant.
Coding change: c.836C>T on transcript NM_004281.4 (MANE Select); coding-DNA position 836, C replaced by T.
Protein change: p.Ser279Leu; replaces serine 279 with leucine.
Molecular consequence: missense variant.
Genome position (GRCh38, 1-based): chr10:119,672,583, C>T. VCF-style: chr10-119672583-C-T. GRCh37 (hg19) VCF-style: chr10-121432095-C-T.
Other names: short protein forms S279L.
Identifiers: ClinVar variation 423527 (VCV000423527.59), dbSNP rs751261054, ClinGen allele CA5716422.